The following is an entry in ClinVar:

NM_003036.4(SKI):c.188C>T (p.Pro63Leu)

Gene: SKI (SKI proto-oncogene; plus strand). Cytogenetic location: 1p36.33.
Variant type: single nucleotide variant.
Coding change: c.188C>T on transcript NM_003036.4 (MANE Select); coding-DNA position 188, C replaced by T.
Protein change: p.Pro63Leu; replaces proline 63 with leucine.
Molecular consequence: missense variant.
Genome position (GRCh38, 1-based): chr1:2,228,954, C>T. VCF-style: chr1-2228954-C-T. GRCh37 (hg19) VCF-style: chr1-2160393-C-T.
Other names: short protein forms P63L.
Identifiers: ClinVar variation 1314447 (VCV001314447.6), dbSNP rs766569890, ClinGen allele CA536347.

ClinVar aggregate classification (germline): Conflicting classifications of pathogenicity. Review status: criteria provided, conflicting classifications (1 of 4 stars). 3 submissions from 3 submitters: Uncertain significance (2); Benign (1). Last evaluated 2025-12-01.

Conditions:
Shprintzen-Goldberg syndrome (SGS). Also called: SHPRINTZEN-GOLDBERG CRANIOSYNOSTOSIS SYNDROME; CRANIOSYNOSTOSIS WITH ARACHNODACTYLY AND ABDOMINAL HERNIAS; Marfanoid disorder with craniosynostosis type 1; Marfanoid craniosynostosis syndrome; Shprintzen-Goldberg marfanoid syndrome. Identifiers: Orphanet 2462, MedGen C1321551, MONDO:0008426, OMIM 182212.
Familial thoracic aortic aneurysm and aortic dissection (TAAD). Also called: Thoracic aortic aneurysms and dissections. Identifiers: Orphanet 91387, MedGen C4707243, MONDO:0019625.

Allele frequency attached by ClinVar (database versions not stated): gnomAD exomes 0.00002; gnomAD 0.00001 and 0.00003.
gnomAD v4.1: 8 of 1,404,696 alleles (0.00057%); highest among the groups gnomAD compares: African/African-American, 0.0045%; no homozygotes.

Submissions (3):

Labcorp Genetics (formerly Invitae), Labcorp
Classification: Benign for Shprintzen-Goldberg syndrome. Last evaluated: 2025-12-01. Review status: criteria provided, single submitter. Criteria: Invitae Variant Classification Sherloc (09022015). Collection method: clinical testing. Allele origin: germline.

Ambry Genetics
Classification: Uncertain significance for Familial thoracic aortic aneurysm and aortic dissection. Last evaluated: 2024-12-13. Review status: criteria provided, single submitter. Criteria: Ambry Variant Classification Scheme 2023. Collection method: clinical testing. Allele origin: germline.
Comment: The p.P63L variant (also known as c.188C>T), located in coding exon 1 of the SKI gene, results from a C to T substitution at nucleotide position 188. The proline at codon 63 is replaced by leucine, an amino acid with similar properties. This amino acid position is conserved. In addition, the in silico prediction for this alteration is inconclusive. Since supporting evidence is limited at this time, the clinical significance of this alteration remains unclear.

GeneDx
Classification: Uncertain significance. Last evaluated: 2021-04-05. Review status: criteria provided, single submitter. Criteria: GeneDx Variant Classification Process June 2021. Collection method: clinical testing. Allele origin: germline. Affected: yes.
Comment: Has not been previously published as pathogenic or benign to our knowledge; Not observed at a significant frequency in large population cohorts (Lek et al., 2016); In silico analysis supports that this missense variant does not alter protein structure/function